The following is an entry in ClinVar:

ClinVar aggregate classification (germline): Uncertain significance (1 of 4 stars; one submission).

Conditions:
Leber congenital amaurosis 4 (LCA4). Identifiers: MedGen C1858386, MONDO:0011458, OMIM 604393.

gnomAD v4.1: 10 of 1,613,964 alleles (0.00062%); highest among the groups gnomAD compares: South Asian, 0.0066%; no homozygotes.

Submission:

Labcorp Genetics (formerly Invitae), Labcorp
Classification: Uncertain significance for Leber congenital amaurosis 4. Last evaluated: 2021-08-26. Review status: criteria provided, single submitter. Criteria: Invitae Variant Classification Sherloc (09022015). Collection method: clinical testing. Allele origin: germline.
Comment: This sequence change replaces arginine with glycine at codon 102 of the AIPL1 protein (p.Arg102Gly). The arginine residue is moderately conserved and there is a moderate physicochemical difference between arginine and glycine. This variant is present in population databases (rs151204387, ExAC 0.002%). This variant has not been reported in the literature in individuals affected with AIPL1-related conditions. Algorithms developed to predict the effect of missense changes on protein structure and function (SIFT, PolyPhen-2, Align-GVGD) all suggest that this variant is likely to be disruptive. In summary, the available evidence is currently insufficient to determine the role of this variant in disease. Therefore, it has been classified as a Variant of Uncertain Significance.

NM_014336.5(AIPL1):c.304C>G (p.Arg102Gly)

Gene: AIPL1 (AIP like 1 HSP90 co-chaperone; minus strand). Cytogenetic location: 17p13.2.
Variant type: single nucleotide variant.
Coding change: c.304C>G on transcript NM_014336.5 (MANE Select); coding-DNA position 304, C replaced by G.
Protein change: p.Arg102Gly; replaces arginine 102 with glycine.
Molecular consequence: missense variant. On other transcripts: intron variant (1).
Genome position (GRCh38, 1-based): chr17:6,428,479, G>C on the plus strand (C>G on the coding strand, the complement: AIPL1 is on the minus strand). VCF-style: chr17-6428479-G-C. GRCh37 (hg19) VCF-style: chr17-6331799-G-C.
Other names: c.124C>G, p.Arg42Gly (NM_001033055.3); c.268C>G, p.Arg90Gly (NM_001285399.3); c.238C>G, p.Arg80Gly (NM_001285400.3); c.304C>G, p.Arg102Gly (NM_001285401.3, NM_001285403.4); c.187C>G, p.Arg63Gly (NM_001285402.2); c.277-1422C>G (NM_001033054.3); short protein forms R42G, R90G, R102G, R63G, R80G.
Identifiers: ClinVar variation 962280 (VCV000962280.7), dbSNP rs151204387, ClinGen allele CA8328547.